The following is an entry in ClinVar:

ClinVar aggregate classification (germline): Uncertain significance (1 of 4 stars; one submission).

gnomAD v4.1: 12 of 1,536,674 alleles (0.00078%); highest among the groups gnomAD compares: Admixed American, 0.0039%; no homozygotes.

Submission:

Dasa
Classification: Uncertain significance. Last evaluated: 2025-10-10. Review status: criteria provided, single submitter. Criteria: DASA Assertion Criteria. Collection method: clinical testing. Allele origin: germline.
Comment: NM_001378183.1(PIEZO2):c.5643C>G (p.Ile1881Met) is a missense variant that results in the substitution of isoleucine with methionine. This variant is rare in population databases. The currently available literature and clinical evidence are not sufficient to establish a definitive association between this variant and the reported condition. Therefore, this variant is classified as a variant of uncertain significance.

NM_001378183.1(PIEZO2):c.5643C>G (p.Ile1881Met)

Gene: PIEZO2 (piezo type mechanosensitive ion channel component 2; minus strand). Cytogenetic location: 18p11.22.
Variant type: single nucleotide variant.
Coding change: c.5643C>G on transcript NM_001378183.1 (MANE Select); coding-DNA position 5643, C replaced by G.
Protein change: p.Ile1881Met; replaces isoleucine 1881 with methionine.
Molecular consequence: missense variant.
Genome position (GRCh38, 1-based): chr18:10,705,692, G>C on the plus strand (C>G on the coding strand, the complement: PIEZO2 is on the minus strand). VCF-style: chr18-10705692-G-C. GRCh37 (hg19) VCF-style: chr18-10705690-G-C.
Other names: c.5379C>G, p.Ile1793Met (NM_001410871.1); c.5304C>G, p.Ile1768Met (NM_022068.4); short protein forms I1768M, I1793M, I1881M.
Identifiers: ClinVar variation 4883511 (VCV004883511.2).